The following is an entry in ClinVar:

NM_001042681.2(RERE):c.3506A>G (p.Lys1169Arg)

Gene: RERE (arginine-glutamic acid dipeptide repeats; minus strand). Cytogenetic location: 1p36.23.
Variant type: single nucleotide variant.
Coding change: c.3506A>G on transcript NM_001042681.2 (MANE Select); coding-DNA position 3506, A replaced by G.
Protein change: p.Lys1169Arg; replaces lysine 1169 with arginine.
Molecular consequence: missense variant.
Genome position (GRCh38, 1-based): chr1:8,359,876, T>C on the plus strand (A>G on the coding strand, the complement: RERE is on the minus strand). VCF-style: chr1-8359876-T-C. GRCh37 (hg19) VCF-style: chr1-8419936-T-C.
Other names: c.1844A>G, p.Lys615Arg (NM_001042682.2); c.3506A>G, p.Lys1169Arg (NM_012102.4); short protein forms K1169R, K615R.
Identifiers: ClinVar variation 3252489 (VCV003252489.1), dbSNP rs2522706964.

ClinVar aggregate classification (germline): Uncertain significance (1 of 4 stars; one submission).

Submission:

GeneDx
Classification: Uncertain significance. Last evaluated: 2024-07-08. Review status: criteria provided, single submitter. Criteria: GeneDx Variant Classification Process June 2021. Collection method: clinical testing. Allele origin: germline. Affected: yes.
Comment: Not observed at significant frequency in large population cohorts (gnomAD); In silico analysis indicates that this missense variant does not alter protein structure/function; Has not been previously published as pathogenic or benign to our knowledge